The following is an entry in ClinVar:

NM_000492.4(CFTR):c.2897C>T (p.Thr966Met)

Gene: CFTR (CF transmembrane conductance regulator; plus strand). Cytogenetic location: 7q31.2.
Variant type: single nucleotide variant.
Coding change: c.2897C>T on transcript NM_000492.4 (MANE Select); coding-DNA position 2897, C replaced by T.
Protein change: p.Thr966Met; replaces threonine 966 with methionine.
Molecular consequence: missense variant.
Genome position (GRCh38, 1-based): chr7:117,603,771, C>T. VCF-style: chr7-117603771-C-T. GRCh37 (hg19) VCF-style: chr7-117243825-C-T.
Other names: short protein forms T966M.
Identifiers: ClinVar variation 3832543 (VCV003832543.1).

ClinVar aggregate classification (germline): Uncertain significance (1 of 4 stars; one submission).

Conditions:
Cystic fibrosis (CF). Also called: MUCOVISCIDOSIS. Identifiers: Orphanet 586, MedGen C0010674, MONDO:0009061, OMIM 219700. Disease mechanism: loss of function.

gnomAD v4.1: 2 of 1,613,860 alleles (0.00012%); highest among the groups gnomAD compares: Non-Finnish European, 0.00017%; no homozygotes.

Submission:

Ambry Genetics
Classification: Uncertain significance for Cystic fibrosis. Last evaluated: 2025-03-14. Review status: criteria provided, single submitter. Criteria: Ambry Variant Classification Scheme 2023. Collection method: clinical testing. Allele origin: germline.
Comment: The p.T966M variant (also known as c.2897C>T), located in coding exon 17 of the CFTR gene, results from a C to T substitution at nucleotide position 2897. The threonine at codon 966 is replaced by methionine, an amino acid with similar properties. This amino acid position is not well conserved in available vertebrate species. In addition, the in silico prediction for this alteration is inconclusive. Based on the available evidence, the clinical significance of this variant remains unclear.